The following is an entry in ClinVar:

NM_000257.4(MYH7):c.1501T>A (p.Tyr501Asn)

Gene: MYH7 (myosin heavy chain 7; minus strand). Cytogenetic location: 14q11.2.
Variant type: single nucleotide variant.
Coding change: c.1501T>A on transcript NM_000257.4 (MANE Select); coding-DNA position 1501, T replaced by A.
Protein change: p.Tyr501Asn; replaces tyrosine 501 with asparagine.
Molecular consequence: missense variant.
Genome position (GRCh38, 1-based): chr14:23,428,577, A>T on the plus strand (T>A on the coding strand, the complement: MYH7 is on the minus strand). VCF-style: chr14-23428577-A-T. GRCh37 (hg19) VCF-style: chr14-23897786-A-T.
Other names: c.1501T>A, p.Tyr501Asn (NM_001407004.1); short protein forms Y501N.
Identifiers: ClinVar variation 3636045 (VCV003636045.2).

ClinVar aggregate classification (germline): Uncertain significance (1 of 4 stars; one submission).

Conditions:
Hypertrophic cardiomyopathy. Also called: HYPERTROPHIC MYOCARDIOPATHY. Identifiers: Orphanet 217569, MedGen C0007194, MeSH D002312, MONDO:0005045, HP:0001639.

Submission:

Labcorp Genetics (formerly Invitae), Labcorp
Classification: Uncertain significance for Hypertrophic cardiomyopathy. Last evaluated: 2025-01-26. Review status: criteria provided, single submitter. Criteria: Invitae Variant Classification Sherloc (09022015). Collection method: clinical testing. Allele origin: germline.
Comment: This sequence change replaces tyrosine, which is neutral and polar, with asparagine, which is neutral and polar, at codon 501 of the MYH7 protein (p.Tyr501Asn). This variant is not present in population databases (gnomAD no frequency). This variant has not been reported in the literature in individuals affected with MYH7-related conditions. Invitae Evidence Modeling of protein sequence and biophysical properties (such as structural, functional, and spatial information, amino acid conservation, physicochemical variation, residue mobility, and thermodynamic stability) indicates that this missense variant is expected to disrupt MYH7 protein function with a positive predictive value of 95%. In summary, the available evidence is currently insufficient to determine the role of this variant in disease. Therefore, it has been classified as a Variant of Uncertain Significance.